The following is an entry in ClinVar:

ClinVar aggregate classification (germline): Uncertain significance. Review status: criteria provided, multiple submitters, no conflicts (2 of 4 stars). 2 submissions from 2 submitters: Uncertain significance (2). Last evaluated 2025-09-05.

Conditions:
Erythrocytosis, familial, 3 (ECYT3). Identifiers: Orphanet 247511, MedGen C1853286, MONDO:0012353, OMIM 609820.

Allele frequency attached by ClinVar (database versions not stated): TOPMed below 0.00001; gnomAD 0.00001.
gnomAD v4.1: 11 of 1,537,578 alleles (0.00072%); highest among the groups gnomAD compares: Non-Finnish European, 0.00096%; no homozygotes.

Submissions (2):

Ambry Genetics
Classification: Uncertain significance. Last evaluated: 2025-09-05. Review status: criteria provided, single submitter. Criteria: Ambry Variant Classification Scheme 2023. Collection method: clinical testing. Allele origin: germline.
Comment: The p.R152G variant (also known as c.454C>G), located in coding exon 1 of the EGLN1 gene, results from a C to G substitution at nucleotide position 454. The arginine at codon 152 is replaced by glycine, an amino acid with dissimilar properties. This amino acid position is not well conserved in available vertebrate species. In addition, this alteration is predicted to be tolerated by in silico analysis. The evidence for this gene-disease relationship is limited; therefore, the clinical significance of this alteration is unclear.

Labcorp Genetics (formerly Invitae), Labcorp
Classification: Uncertain significance for Erythrocytosis, familial, 3. Last evaluated: 2023-01-19. Review status: criteria provided, single submitter. Criteria: Invitae Variant Classification Sherloc (09022015). Collection method: clinical testing. Allele origin: germline.
Comment: In summary, the available evidence is currently insufficient to determine the role of this variant in disease. Therefore, it has been classified as a Variant of Uncertain Significance. Algorithms developed to predict the effect of missense changes on protein structure and function output the following: SIFT: "Tolerated"; PolyPhen-2: "Benign"; Align-GVGD: "Class C0". The glycine amino acid residue is found in multiple mammalian species, which suggests that this missense change does not adversely affect protein function. This variant has not been reported in the literature in individuals affected with EGLN1-related conditions. This variant is not present in population databases (gnomAD no frequency). This sequence change replaces arginine, which is basic and polar, with glycine, which is neutral and non-polar, at codon 152 of the EGLN1 protein (p.Arg152Gly).

NM_022051.3(EGLN1):c.454C>G (p.Arg152Gly)

Gene: EGLN1 (egl-9 family hypoxia inducible factor 1; minus strand). Cytogenetic location: 1q42.2.
Variant type: single nucleotide variant.
Coding change: c.454C>G on transcript NM_022051.3 (MANE Select); coding-DNA position 454, C replaced by G.
Protein change: p.Arg152Gly; replaces arginine 152 with glycine.
Molecular consequence: missense variant.
Genome position (GRCh38, 1-based): chr1:231,421,435, G>C on the plus strand (C>G on the coding strand, the complement: EGLN1 is on the minus strand). VCF-style: chr1-231421435-G-C. GRCh37 (hg19) VCF-style: chr1-231557181-G-C.
Other names: c.454C>G, p.Arg152Gly (NM_001377260.1, NM_001377261.1); short protein forms R152G.
Identifiers: ClinVar variation 2283678 (VCV002283678.6), dbSNP rs1200860908, ClinGen allele CA345236920.